The following is an entry in ClinVar:

NM_018051.5(DYNC2I1):c.891C>G (p.His297Gln)

Gene: DYNC2I1 (dynein 2 intermediate chain 1; plus strand). Cytogenetic location: 7q36.3.
Variant type: single nucleotide variant.
Coding change: c.891C>G on transcript NM_018051.5 (MANE Select); coding-DNA position 891, C replaced by G.
Protein change: p.His297Gln; replaces histidine 297 with glutamine.
Molecular consequence: missense variant. On other transcripts: 5 prime UTR variant (3), intron variant (1).
Genome position (GRCh38, 1-based): chr7:158,884,575, C>G. VCF-style: chr7-158884575-C-G. GRCh37 (hg19) VCF-style: chr7-158677266-C-G.
Other names: c.753C>G, p.His251Gln (NM_001350914.2); c.-468C>G (NM_001350916.2); c.-476C>G (NM_001350917.2); c.-595C>G (NM_001350918.2); c.363-2446C>G (NM_001350915.2); short protein forms H251Q, H297Q.
Identifiers: ClinVar variation 3351013 (VCV003351013.1).

ClinVar aggregate classification (germline): Uncertain significance (0 of 4 stars; one submission).

Conditions:
DYNC2I1-related disorder. Also called: DYNC2I1-related condition.

gnomAD v4.1: 60 of 1,612,068 alleles (0.0037%); highest among the groups gnomAD compares: Non-Finnish European, 0.0051%; no homozygotes.

Submission:

PreventionGenetics, part of Exact Sciences
Classification: Uncertain significance for DYNC2I1-related condition. Last evaluated: 2024-05-03. Review status: no assertion criteria provided. Collection method: clinical testing. Allele origin: germline.
Comment: The DYNC2I1 c.891C>G variant is predicted to result in the amino acid substitution p.His297Gln. To our knowledge, this variant has not been reported in the literature. This variant is reported in 0.0027% of alleles in individuals of European (Non-Finnish) descent in gnomAD. At this time, the clinical significance of this variant is uncertain due to the absence of conclusive functional and genetic evidence.